The following is an entry in ClinVar:

NM_004836.7(EIF2AK3):c.3003T>C (p.Tyr1001=)

Genes: EIF2AK3 (eukaryotic translation initiation factor 2 alpha kinase 3; minus strand), EIF2AK3-AS1 (EIF2AK3 antisense RNA 1; plus strand). Cytogenetic location: 2p11.2.
Variant type: single nucleotide variant.
Coding change: c.3003T>C on transcript NM_004836.7 (MANE Select); coding-DNA position 3003, T replaced by C.
Protein change: p.Tyr1001=; no amino-acid change (tyrosine 1001 retained).
Molecular consequence: synonymous variant.
Genome position (GRCh38, 1-based): chr2:88,562,373, A>G on the plus strand (T>C on the coding strand, the complement: EIF2AK3 is on the minus strand). VCF-style: chr2-88562373-A-G. GRCh37 (hg19) VCF-style: chr2-88861891-A-G.
Other names: c.2550T>C, p.Tyr850= (NM_001313915.2).
Identifiers: ClinVar variation 2017922 (VCV002017922.4), dbSNP rs2529098769, ClinGen allele CA427172552.

ClinVar aggregate classification (germline): Uncertain significance (1 of 4 stars; one submission).

Allele frequency attached by ClinVar (database versions not stated): gnomAD exomes below 0.00001.
gnomAD v4.1: 1 of 1,614,014 alleles (0.000062%); highest among the groups gnomAD compares: Non-Finnish European, 0.000085%; no homozygotes.

Submission:

Labcorp Genetics (formerly Invitae), Labcorp
Classification: Uncertain significance. Last evaluated: 2022-11-01. Review status: criteria provided, single submitter. Criteria: Invitae Variant Classification Sherloc (09022015). Collection method: clinical testing. Allele origin: germline.
Comment: In summary, the available evidence is currently insufficient to determine the role of this variant in disease. Therefore, it has been classified as a Variant of Uncertain Significance. Algorithms developed to predict the effect of sequence changes on RNA splicing suggest that this variant may disrupt the consensus splice site. This variant has not been reported in the literature in individuals affected with EIF2AK3-related conditions. This variant is not present in population databases (gnomAD no frequency). This sequence change affects codon 1001 of the EIF2AK3 mRNA. It is a 'silent' change, meaning that it does not change the encoded amino acid sequence of the EIF2AK3 protein.